The following is an entry in ClinVar:

ClinVar aggregate classification (germline): Conflicting classifications of pathogenicity. Review status: criteria provided, conflicting classifications (1 of 4 stars). 3 submissions from 3 submitters: Uncertain significance (1); Likely benign (2). Last evaluated 2026-01-28.

Allele frequency attached by ClinVar (database versions not stated): gnomAD exomes 0.00007 and 0.00010; ExAC 0.00013; TOPMed 0.00014; gnomAD 0.00015 and 0.00017; ESP Exome Variant Server 0.00038.
gnomAD v4.1: 125 of 1,600,224 alleles (0.0078%); highest among the groups gnomAD compares: African/African-American, 0.038%; no homozygotes.

Submissions (3):

Labcorp Genetics (formerly Invitae), Labcorp
Classification: Uncertain significance. Last evaluated: 2026-01-28. Review status: criteria provided, single submitter. Criteria: Invitae Variant Classification Sherloc (09022015). Collection method: clinical testing. Allele origin: germline.
Comment: This sequence change replaces proline, which is neutral and non-polar, with leucine, which is neutral and non-polar, at codon 630 of the REST protein (p.Pro630Leu). This variant is present in population databases (rs144905338, gnomAD 0.08%), and has an allele count higher than expected for a pathogenic variant. This variant has not been reported in the literature in individuals affected with REST-related conditions. ClinVar contains an entry for this variant (Variation ID: 968065). An algorithm developed to predict the effect of missense changes on protein structure and function outputs the following: PolyPhen-2: "Benign". The leucine amino acid residue is found in multiple mammalian species, which suggests that this missense change does not adversely affect protein function. In summary, the available evidence is currently insufficient to determine the role of this variant in disease. Therefore, it has been classified as a Variant of Uncertain Significance.

Laboratory of Genetics, Children's Clinical University Hospital Latvia
Classification: Likely benign. Last evaluated: 2025-02-16. Review status: criteria provided, single submitter. Criteria: ACMG Guidelines, 2015. Collection method: clinical testing. Allele origin: germline. Affected: yes.

Blueprint Genetics
Classification: Likely benign. Last evaluated: 2024-05-03. Review status: criteria provided, single submitter. Criteria: ACMG Guidelines, 2015. Collection method: clinical testing. Allele origin: germline.

NM_005612.5(REST):c.1889C>T (p.Pro630Leu)

Gene: REST (RE1 silencing transcription factor; plus strand). Cytogenetic location: 4q12.
Variant type: single nucleotide variant.
Coding change: c.1889C>T on transcript NM_005612.5 (MANE Select); coding-DNA position 1889, C replaced by T.
Protein change: p.Pro630Leu; replaces proline 630 with leucine.
Molecular consequence: missense variant.
Genome position (GRCh38, 1-based): chr4:56,930,747, C>T. VCF-style: chr4-56930747-C-T. GRCh37 (hg19) VCF-style: chr4-57796913-C-T.
Other names: c.1889C>T, p.Pro630Leu (NM_001193508.2, NM_001363453.3); short protein forms P630L.
Identifiers: ClinVar variation 968065 (VCV000968065.12), dbSNP rs144905338, ClinGen allele CA2932344.